The following is an entry in ClinVar:

NM_020070.4(IGLL1):c.206+3A>G

Gene: IGLL1 (immunoglobulin lambda like polypeptide 1; minus strand). Cytogenetic location: 22q11.23.
Variant type: single nucleotide variant.
Coding change: c.206+3A>G on transcript NM_020070.4 (MANE Select); 3 bases into the intron after coding-DNA position 206, A replaced by G.
Molecular consequence: intron variant.
Genome position (GRCh38, 1-based): chr22:23,579,982, T>C on the plus strand (A>G on the coding strand, the complement: IGLL1 is on the minus strand). VCF-style: chr22-23579982-T-C. GRCh37 (hg19) VCF-style: chr22-23922169-T-C.
Other names: c.206+3A>G (NM_152855.3, NM_001369906.1).
Identifiers: ClinVar variation 1437937 (VCV001437937.6), dbSNP rs780565684, ClinGen allele CA10143408.

ClinVar aggregate classification (germline): Uncertain significance (1 of 4 stars; one submission).

Conditions:
Agammaglobulinemia 2, autosomal recessive (AGM2). Also called: AGAMMAGLOBULINEMIA, AUTOSOMAL RECESSIVE, DUE TO IGLL1 DEFECT. Identifiers: MedGen C3150750, MONDO:0013287, OMIM 613500.

Allele frequency attached by ClinVar (database versions not stated): gnomAD 0.00002 and 0.00003; gnomAD exomes 0.00003; TOPMed 0.00003; ExAC 0.00004.
gnomAD v4.1: 45 of 1,574,898 alleles (0.0029%); highest among the groups gnomAD compares: Non-Finnish European, 0.0038%; no homozygotes.

Submission:

Labcorp Genetics (formerly Invitae), Labcorp
Classification: Uncertain significance for Agammaglobulinemia 2, autosomal recessive. Last evaluated: 2025-06-23. Review status: criteria provided, single submitter. Criteria: Invitae Variant Classification Sherloc (09022015). Collection method: clinical testing. Allele origin: germline.
Comment: This sequence change falls in intron 1 of the IGLL1 gene. It does not directly change the encoded amino acid sequence of the IGLL1 protein. It affects a nucleotide within the consensus splice site. The frequency data for this variant in the population databases is considered unreliable, as metrics indicate poor data quality at this position in the gnomAD database. This variant has not been reported in the literature in individuals affected with IGLL1-related conditions. ClinVar contains an entry for this variant (Variation ID: 1437937). Variants that disrupt the consensus splice site are a relatively common cause of aberrant splicing (PMID: 17576681, 9536098). Algorithms developed to predict the effect of sequence changes on RNA splicing suggest that this variant may disrupt the consensus splice site. In summary, the available evidence is currently insufficient to determine the role of this variant in disease. Therefore, it has been classified as a Variant of Uncertain Significance.

Literature cited by the submitters: PubMed 17576681; PubMed 9536098.